The following is an entry in ClinVar:

ClinVar aggregate classification (germline): Pathogenic (1 of 4 stars; one submission).

Submission:

CeGaT Center for Human Genetics Tuebingen
Classification: Pathogenic. Last evaluated: 2025-07-01. Review status: criteria provided, single submitter. Criteria: CeGaT Center For Human Genetics Tuebingen Variant Classification Criteria Version 2. Collection method: clinical testing. Allele origin: germline. Affected: yes. Observed: 1 variant allele.
Comment: PKD1: PVS1, PM2

NM_001009944.3(PKD1):c.12379del (p.Tyr4127fs)

Gene: PKD1 (polycystin 1, transient receptor potential channel interacting; minus strand). Cytogenetic location: 16p13.3.
Variant type: Deletion.
Coding change: c.12379del on transcript NM_001009944.3 (MANE Select); coding-DNA position 12379, one base deleted (T; older notation c.12379delT).
Protein change: p.Tyr4127fs; shifts the reading frame from tyrosine 4127.
Molecular consequence: frameshift variant.
Genome position (GRCh38, 1-based): chr16:2,090,350, A deleted on the plus strand (T on the coding strand, the reverse complement: PKD1 is on the minus strand). VCF-style (leftmost placement, unchanged base first): chr16-2090349-TA-T. GRCh37 (hg19) VCF-style: chr16-2140350-TA-T.
Other names: c.12376del, p.Tyr4126fs (NM_000296.4); short protein forms Y4126fs, Y4127fs.
Identifiers: ClinVar variation 4085473 (VCV004085473.8).